The following is an entry in ClinVar:

ClinVar aggregate classification (germline): Uncertain significance (1 of 4 stars; one submission).

Allele frequency attached by ClinVar (database versions not stated): ESP Exome Variant Server 0.00023.
gnomAD v4.1: 34 of 1,610,218 alleles (0.0021%); highest among the groups gnomAD compares: Non-Finnish European, 0.0027%; no homozygotes.

Submission:

Labcorp Genetics (formerly Invitae), Labcorp
Classification: Uncertain significance. Last evaluated: 2021-10-20. Review status: criteria provided, single submitter. Criteria: Invitae Variant Classification Sherloc (09022015). Collection method: clinical testing. Allele origin: germline.
Comment: This sequence change replaces glutamic acid with glutamine at codon 603 of the HPS3 protein (p.Glu603Gln). The glutamic acid residue is weakly conserved and there is a small physicochemical difference between glutamic acid and glutamine. This variant is present in population databases (rs143804526, ExAC 0.002%). This variant has not been reported in the literature in individuals with HPS3-related conditions. Algorithms developed to predict the effect of missense changes on protein structure and function are either unavailable or do not agree on the potential impact of this missense change (SIFT: "Tolerated"; PolyPhen-2: "Probably Damaging"; Align-GVGD: "Class C0"). In summary, the available evidence is currently insufficient to determine the role of this variant in disease. Therefore, it has been classified as a Variant of Uncertain Significance.

NM_032383.5(HPS3):c.1807G>C (p.Glu603Gln)

Gene: HPS3 (HPS3 biogenesis of lysosomal organelles complex 2 subunit 1; plus strand). Cytogenetic location: 3q24.
Variant type: single nucleotide variant.
Coding change: c.1807G>C on transcript NM_032383.5 (MANE Select); coding-DNA position 1807, G replaced by C.
Protein change: p.Glu603Gln; replaces glutamic acid 603 with glutamine.
Molecular consequence: missense variant.
Genome position (GRCh38, 1-based): chr3:149,158,781, G>C. VCF-style: chr3-149158781-G-C. GRCh37 (hg19) VCF-style: chr3-148876568-G-C.
Other names: c.1312G>C, p.Glu438Gln (NM_001308258.2); short protein forms E438Q, E603Q.
Identifiers: ClinVar variation 1447153 (VCV001447153.3), dbSNP rs143804526, ClinGen allele CA2660184.
Genomic context (GRCh38, chr3:149,158,781, plus strand): 5'-TCTATGGCTGAAGTTCTGGCCCGCACGGACTGGACAGTAGAGGATGGATTACAGAAATAC[G>C]AGAGAGGATTAATCTTTTACATTAATCATTCACTTTATGAAAACCTGGATGAAGAATTAA-3'
Protein context (NP_115759.2, residues 593-613): WTVEDGLQKY[Glu603Gln]RGLIFYINHS